The following is an entry in ClinVar:

ClinVar aggregate classification (germline): Benign/Likely benign. Review status: criteria provided, multiple submitters, no conflicts (2 of 4 stars). 4 submissions from 4 submitters: Benign (1); Likely benign (3). Last evaluated 2024-11-07.

Conditions:
Papillary renal cell carcinoma type 1 (RCCP1). Also called: RENAL CELL CARCINOMA, PAPILLARY, 1, SOMATIC; Renal adenocarcinoma; Renal cell carcinoma 1; Renal cell carcinoma, somatic. Identifiers: Orphanet 47044, MedGen C1336839, OMIM 605074, HP:0011797.
Hereditary cancer-predisposing syndrome. Also called: Hereditary neoplastic syndrome; Hereditary Cancer Syndrome; Neoplastic Syndromes, Hereditary; Tumor predisposition. Identifiers: Orphanet 140162, MedGen C0027672, MeSH D009386, MONDO:0015356.
Renal cell carcinoma. Identifiers: Orphanet 217071, MedGen C0007134, MeSH D002292, MONDO:0005086, HP:0005584.

gnomAD v4.1: 5 of 1,613,516 alleles (0.00031%); highest among the groups gnomAD compares: Non-Finnish European, 0.00042%; no homozygotes.

Submissions (4):

Myriad Genetics, Inc.
Classification: Benign for Papillary renal cell carcinoma type 1. Last evaluated: 2024-11-07. Review status: criteria provided, single submitter. Criteria: Myriad Autosomal Dominant, Autosomal Recessive and X-Linked Classification Criteria (2023). Collection method: clinical testing. Allele origin: unknown.
Comment: This variant is considered benign. This variant is a silent/synonymous amino acid change and it is not expected to impact splicing.

Labcorp Genetics (formerly Invitae), Labcorp
Classification: Likely benign for Renal cell carcinoma. Last evaluated: 2024-09-25. Review status: criteria provided, single submitter. Criteria: Invitae Variant Classification Sherloc (09022015). Collection method: clinical testing. Allele origin: germline.

Ambry Genetics
Classification: Likely benign for Hereditary cancer-predisposing syndrome. Last evaluated: 2021-01-27. Review status: criteria provided, single submitter. Criteria: Ambry Variant Classification Scheme 2023. Collection method: clinical testing. Allele origin: germline.

Breakthrough Genomics
Classification: Likely benign. Review status: criteria provided, single submitter. Criteria: ACMG Guidelines, 2015. Collection method: not provided. Allele origin: germline. Inheritance: Autosomal recessive inheritance. Affected: yes.

NM_000245.4(MET):c.978G>A (p.Gly326=)

Gene: MET (MET proto-oncogene, receptor tyrosine kinase; plus strand). Cytogenetic location: 7q31.2.
Variant type: single nucleotide variant.
Coding change: c.978G>A on transcript NM_000245.4 (MANE Select); coding-DNA position 978, G replaced by A.
Protein change: p.Gly326=; no amino-acid change (glycine 326 retained).
Molecular consequence: synonymous variant. On other transcripts: intron variant (1).
Genome position (GRCh38, 1-based): chr7:116,700,062, G>A. VCF-style: chr7-116700062-G-A. GRCh37 (hg19) VCF-style: chr7-116340116-G-A.
Other names: c.978G>A, p.Gly326= (NM_001127500.3, NM_001324401.3); c.-91+27485G>A (NM_001324402.2).
Identifiers: ClinVar variation 1113750 (VCV001113750.13), dbSNP rs769507421, ClinGen allele CA164889281.